The following is an entry in ClinVar:

ClinVar aggregate classification (germline): Uncertain significance (0 of 4 stars; one submission).

Conditions:
IFT74-related disorder. Also called: IFT74-related condition; IFT74-Related Disorders.

gnomAD v4.1: 1 of 1,598,702 alleles (0.000063%); highest among the groups gnomAD compares: Non-Finnish European, 0.000085%; no homozygotes.

Submission:

PreventionGenetics, part of Exact Sciences
Classification: Uncertain significance for IFT74-related condition. Last evaluated: 2024-09-19. Review status: no assertion criteria provided. Collection method: clinical testing. Allele origin: germline.
Comment: The IFT74 c.1564C>G variant is predicted to result in the amino acid substitution p.Gln522Glu. To our knowledge, this variant has not been reported in the literature or ingnomAD, indicating this variant is rare. At this time, the clinical significance of this variant is uncertain due to the absence of conclusive functional and genetic evidence.

NM_025103.4(IFT74):c.1564C>G (p.Gln522Glu)

Gene: IFT74 (intraflagellar transport 74; plus strand). Cytogenetic location: 9p21.2.
Variant type: single nucleotide variant.
Coding change: c.1564C>G on transcript NM_025103.4 (MANE Select); coding-DNA position 1564, C replaced by G.
Protein change: p.Gln522Glu; replaces glutamine 522 with glutamic acid.
Molecular consequence: missense variant.
Genome position (GRCh38, 1-based): chr9:27,056,400, C>G. VCF-style: chr9-27056400-C-G. GRCh37 (hg19) VCF-style: chr9-27056398-C-G.
Other names: c.1564C>G, p.Gln522Glu (NM_001099222.3, NM_001099223.3, NM_001349928.2); short protein forms Q522E.
Identifiers: ClinVar variation 3345145 (VCV003345145.1).